The following is an entry in ClinVar:

NM_005633.4(SOS1):c.1276C>A (p.Gln426Lys)

Gene: SOS1 (SOS Ras/Rac guanine nucleotide exchange factor 1; minus strand). Cytogenetic location: 2p22.1.
Variant type: single nucleotide variant.
Coding change: c.1276C>A on transcript NM_005633.4 (MANE Select); coding-DNA position 1276, C replaced by A.
Protein change: p.Gln426Lys; replaces glutamine 426 with lysine.
Molecular consequence: missense variant.
Genome position (GRCh38, 1-based): chr2:39,023,152, G>T on the plus strand (C>A on the coding strand, the complement: SOS1 is on the minus strand). VCF-style: chr2-39023152-G-T. GRCh37 (hg19) VCF-style: chr2-39250293-G-T.
Other names: c.1255C>A, p.Gln419Lys (NM_001382394.1); c.1276C>A, p.Gln426Lys (NM_001382395.1); short protein forms Q426K, Q419K.
Identifiers: ClinVar variation 561622 (VCV000561622.9), dbSNP rs1558474706, ClinGen allele CA346366546.

ClinVar aggregate classification (germline): Conflicting classifications of pathogenicity. Review status: criteria provided, conflicting classifications (1 of 4 stars). 2 submissions from 2 submitters: Likely pathogenic (1); Uncertain significance (1). Last evaluated 2022-03-19.

Conditions:
RASopathy. Also called: rasopathies; Noonan spectrum disorder. Identifiers: Orphanet 536391, MedGen C5555857, MONDO:0021060.

Submissions (2):

Labcorp Genetics (formerly Invitae), Labcorp
Classification: Uncertain significance for RASopathy. Last evaluated: 2022-03-19. Review status: criteria provided, single submitter. Criteria: Invitae Variant Classification Sherloc (09022015). Collection method: clinical testing. Allele origin: germline.
Comment: This variant is not present in population databases (gnomAD no frequency). This sequence change replaces glutamine, which is neutral and polar, with lysine, which is basic and polar, at codon 426 of the SOS1 protein (p.Gln426Lys). In summary, the available evidence is currently insufficient to determine the role of this variant in disease. Therefore, it has been classified as a Variant of Uncertain Significance. Advanced modeling of protein sequence and biophysical properties (such as structural, functional, and spatial information, amino acid conservation, physicochemical variation, residue mobility, and thermodynamic stability) performed at Invitae indicates that this missense variant is expected to disrupt SOS1 protein function. ClinVar contains an entry for this variant (Variation ID: 561622). This variant has not been reported in the literature in individuals affected with SOS1-related conditions.

GeneDx
Classification: Likely pathogenic. Last evaluated: 2018-02-19. Review status: criteria provided, single submitter. Criteria: GeneDx Variant Classification (06012015). Collection method: clinical testing. Allele origin: germline. Affected: yes.
Comment: The Q426K variant has not been published as a pathogenic variant, nor has it been reported as a benign variant to our knowledge. The variant is not observed in large population cohorts (Lek et al., 2016). Q426K is a semi-conservative amino acid substitution, which may impact secondary protein structure as these residues differ in some properties. In-silico analyses, including protein predictors and evolutionary conservation, support a deleterious effect. This variant is located within the Pleckstrin homology domain, which is critical for protein function (Tartaglia et al., 2010; Lepri et al., 2011). In summary, this variant is likely pathogenic; however, the possibility that it is benign cannot be excluded.